The following is an entry in ClinVar:

ClinVar aggregate classification (germline): Uncertain significance (1 of 4 stars; one submission).

Conditions:
Alstrom syndrome (ALMS). Identifiers: Orphanet 64, MedGen C0268425, MONDO:0008763, OMIM 203800.

Allele frequency attached by ClinVar (database versions not stated): gnomAD exomes 0.00001 and 0.00004.
gnomAD v4.1: 14 of 1,546,254 alleles (0.00091%); highest among the groups gnomAD compares: South Asian, 0.012%; no homozygotes.

Submission:

Labcorp Genetics (formerly Invitae), Labcorp
Classification: Uncertain significance for Alstrom syndrome. Last evaluated: 2025-02-02. Review status: criteria provided, single submitter. Criteria: Invitae Variant Classification Sherloc (09022015). Collection method: clinical testing. Allele origin: germline.
Comment: This sequence change replaces threonine, which is neutral and polar, with isoleucine, which is neutral and non-polar, at codon 105 of the ALMS1 protein (p.Thr105Ile). This variant is present in population databases (no rsID available, gnomAD 0.03%). This variant has not been reported in the literature in individuals affected with ALMS1-related conditions. ClinVar contains an entry for this variant (Variation ID: 1428799). Experimental studies and prediction algorithms are not available or were not evaluated, and the functional significance of this variant is currently unknown. In summary, the available evidence is currently insufficient to determine the role of this variant in disease. Therefore, it has been classified as a Variant of Uncertain Significance.

NM_001378454.1(ALMS1):c.311C>T (p.Thr104Ile)

Gene: ALMS1 (ALMS1 centrosome and basal body associated protein; plus strand). Cytogenetic location: 2p13.1.
Variant type: single nucleotide variant.
Coding change: c.311C>T on transcript NM_001378454.1 (MANE Select); coding-DNA position 311, C replaced by T.
Protein change: p.Thr104Ile; replaces threonine 104 with isoleucine.
Molecular consequence: missense variant.
Genome position (GRCh38, 1-based): chr2:73,386,179, C>T. VCF-style: chr2-73386179-C-T. GRCh37 (hg19) VCF-style: chr2-73613307-C-T.
Other names: c.314C>T, p.Thr105Ile (NM_015120.4); short protein forms T104I, T105I.
Identifiers: ClinVar variation 1428799 (VCV001428799.4), dbSNP rs1394136837, ClinGen allele CA347251050.